The following is an entry in ClinVar:

ClinVar aggregate classification (germline): Uncertain significance (1 of 4 stars; one submission).

Allele frequency attached by ClinVar (database versions not stated): TOPMed below 0.00001; ExAC 0.00001; gnomAD exomes 0.00001.
gnomAD v4.1: 16 of 1,614,138 alleles (0.00099%); highest among the groups gnomAD compares: Non-Finnish European, 0.0013%; no homozygotes.

Submission:

Labcorp Genetics (formerly Invitae), Labcorp
Classification: Uncertain significance. Last evaluated: 2025-06-20. Review status: criteria provided, single submitter. Criteria: Invitae Variant Classification Sherloc (09022015). Collection method: clinical testing. Allele origin: germline.
Comment: This sequence change replaces valine, which is neutral and non-polar, with phenylalanine, which is neutral and non-polar, at codon 251 of the JAM3 protein (p.Val251Phe). This variant is present in population databases (rs761535214, gnomAD 0.0009%). This variant has not been reported in the literature in individuals affected with JAM3-related conditions. ClinVar contains an entry for this variant (Variation ID: 1506907). Invitae Evidence Modeling of protein sequence and biophysical properties (such as structural, functional, and spatial information, amino acid conservation, physicochemical variation, residue mobility, and thermodynamic stability) indicates that this missense variant is not expected to disrupt JAM3 protein function with a negative predictive value of 80%. In summary, the available evidence is currently insufficient to determine the role of this variant in disease. Therefore, it has been classified as a Variant of Uncertain Significance.

NM_032801.5(JAM3):c.751G>T (p.Val251Phe)

Gene: JAM3 (junctional adhesion molecule 3; plus strand). Cytogenetic location: 11q25.
Variant type: single nucleotide variant.
Coding change: c.751G>T on transcript NM_032801.5 (MANE Select); coding-DNA position 751, G replaced by T.
Protein change: p.Val251Phe; replaces valine 251 with phenylalanine.
Molecular consequence: missense variant.
Genome position (GRCh38, 1-based): chr11:134,148,585, G>T. VCF-style: chr11-134148585-G-T. GRCh37 (hg19) VCF-style: chr11-134018480-G-T.
Other names: c.598G>T, p.Val200Phe (NM_001205329.2); short protein forms V251F, V200F.
Identifiers: ClinVar variation 1506907 (VCV001506907.9), dbSNP rs761535214, ClinGen allele CA6370193.
Genomic context (GRCh38, chr11:134,148,585, plus strand): 5'-CACCAAACCTCCTTTTCTTCAGATGACCTGAACATTGGCGGAATTATTGGGGGGGTTCTG[G>T]TTGTCCTTGCTGTACTGGCCCTGATCACGTTGGGCATCTGCTGTGCATACAGACGTGGCT-3'
Protein context (NP_116190.3, residues 241-261): NIGGIIGGVL[Val251Phe]VLAVLALITL